The following is an entry in ClinVar:

NM_173353.4(TPH2):c.107T>C (p.Leu36Pro)

Gene: TPH2 (tryptophan hydroxylase 2; plus strand). Cytogenetic location: 12q21.1.
Variant type: single nucleotide variant.
Coding change: c.107T>C on transcript NM_173353.4 (MANE Select); coding-DNA position 107, T replaced by C.
Protein change: p.Leu36Pro; replaces leucine 36 with proline.
Molecular consequence: missense variant.
Genome position (GRCh38, 1-based): chr12:71,941,585, T>C. VCF-style: chr12-71941585-T-C. GRCh37 (hg19) VCF-style: chr12-72335365-T-C.
Other names: short protein forms L36P.
Identifiers: ClinVar variation 881908 (VCV000881908.4), dbSNP rs199775778, ClinGen allele CA6689669.

ClinVar aggregate classification (germline): Uncertain significance (1 of 4 stars; one submission).

Conditions:
Tryptophan 5-monooxygenase deficiency. Identifiers: MedGen CN120491.

Allele frequency attached by ClinVar (database versions not stated): TOPMed 0.00008.
gnomAD v4.1: 54 of 1,613,776 alleles (0.0033%); highest among the groups gnomAD compares: Admixed American, 0.048%; no homozygotes.

Submission:

Illumina Laboratory Services, Illumina
Classification: Uncertain significance for Tryptophan 5-monooxygenase deficiency. Last evaluated: 2017-04-28. Review status: criteria provided, single submitter. Criteria: ICSL Variant Classification Criteria 13 December 2019. Collection method: clinical testing. Allele origin: germline.
Comment: This variant was observed as part of a predisposition screen in an ostensibly healthy population. A literature search was performed for the gene, cDNA change, and amino acid change (where applicable). Publications were found based on this search. However, the evidence from the literature, in combination with allele frequency data from public databases where available, was not sufficient to rule this variant in or out of causing disease. Therefore, this variant is classified as a variant of unknown significance.

Literature cited by the submitters: PubMed 18181017; PubMed 19588223; PubMed 15167691; PubMed 19319927; PubMed 16378243; PubMed 18339632.